The following is an entry in ClinVar:

ClinVar aggregate classification (germline): Uncertain significance (1 of 4 stars; one submission).

Submission:

GeneDx
Classification: Uncertain significance. Last evaluated: 2026-03-02. Review status: criteria provided, single submitter. Criteria: GeneDx Variant Classification Process June 2021. Collection method: clinical testing. Allele origin: germline.
Comment: Not observed at significant frequency in large population cohorts (gnomAD); Frameshift variant predicted to result in protein truncation or nonsense mediated decay in a gene or region of a gene for which loss of function is not a well-established mechanism of disease; Has not been previously published as pathogenic or benign to our knowledge

NM_001967.4(EIF4A2):c.897_898insTGTG (p.Val300fs)

Gene: EIF4A2 (eukaryotic translation initiation factor 4A2; plus strand). Cytogenetic location: 3q27.3.
Variant type: Insertion.
Coding change: c.897_898insTGTG on transcript NM_001967.4 (MANE Select); coding-DNA positions 897 to 898, TGTG inserted.
Protein change: p.Val300fs; shifts the reading frame from valine 300.
Molecular consequence: frameshift variant.
Genome position: GRCh38 VCF-style: chr3-186787252-A-ATGTG. GRCh37 (hg19) VCF-style: chr3-186505041-A-ATGTG.
Other names: short protein forms V300fs.
Identifiers: ClinVar variation 5016909 (VCV005016909.1).